The following is an entry in ClinVar:

NM_002055.5(GFAP):c.791T>C (p.Leu264Pro)

Gene: GFAP (glial fibrillary acidic protein; minus strand). Cytogenetic location: 17q21.31.
Variant type: single nucleotide variant.
Coding change: c.791T>C on transcript NM_002055.5 (MANE Select); coding-DNA position 791, T replaced by C.
Protein change: p.Leu264Pro; replaces leucine 264 with proline.
Molecular consequence: missense variant.
Genome position (GRCh38, 1-based): chr17:44,911,787, A>G on the plus strand (T>C on the coding strand, the complement: GFAP is on the minus strand). VCF-style: chr17-44911787-A-G. GRCh37 (hg19) VCF-style: chr17-42989155-A-G.
Other names: c.791T>C, p.Leu264Pro (NM_001131019.3, NM_001242376.3, NM_001363846.2); short protein forms L264P.
Identifiers: ClinVar variation 190346 (VCV000190346.6), dbSNP rs797044579, ClinGen allele CA347206.

ClinVar aggregate classification (germline): Pathogenic. Review status: criteria provided, single submitter (1 of 4 stars). 2 submissions from 2 submitters: Pathogenic (1). 1 of the submissions does not count toward it. Last evaluated 2022-02-02.

Conditions:
Alexander disease (ALXDRD). Also called: Alexander's disease. Identifiers: Orphanet 58, MedGen C0270726, MONDO:0008752, OMIM 203450.

Submissions (2):

Victorian Clinical Genetics Services, Murdoch Childrens Research Institute
Classification: Pathogenic for Alexander disease. Last evaluated: 2022-02-02. Review status: criteria provided, single submitter. Criteria: ACMG Guidelines, 2015. Collection method: clinical testing. Allele origin: germline. Inheritance: Autosomal dominant inheritance. Affected: yes.
Comment: Based on the classification scheme VCGS_Germline_v1.3.4, this variant is classified as Pathogenic. Following criteria are met: 0103 - Dominant negative and gain of function are likely mechanisms of disease in this gene and are associated with Alexander disease (MIM#203450). Functional studies have demonstrated both dominant negative and gain of function are possible mechanisms of disease, however, the latter is the more widely accepted mechanism (OMIM, PMID: 11138011, PMID: 30355500, PMID: 31484723, GeneReviews). (I) 0107 - This gene is associated with autosomal dominant disease. (I) 0115 - Variants in this gene are known to have variable expressivity (GeneReviews). (I) 0200 - Variant is predicted to result in a missense amino acid change from leucine to proline. (I) 0251 - This variant is heterozygous. (I) 0301 - Variant is absent from gnomAD (both v2 and v3). (SP) 0501 - Missense variant consistently predicted to be damaging by multiple in silico tools or highly conserved with a major amino acid change. (SP) 0601 - Variant is located in the well-established filament domain. Many pathogenic missense variants are reported within this domain (DECIPHER). (SP) 0705 - No comparable missense variants have previous evidence for pathogenicity. (I) 0802 - This variant has moderate previous evidence of pathogenicity in unrelated individuals. This variant has been reported as pathogenic, and observed in two individuals with adult-onset Alexander disease (ClinVar, PMID: 24306001, PMID: 21533827). Additionally, a deletion-insertion resulting in the same protein outcome (c.791_792delinsCT) has also been reported in an individual with adult-onset Alexander disease (PMID: 20562394). (SP) 1102 - Strong phenotype match for this individual. (SP) Legend: (SP) - Supporting pathogenic, (I) - Information, (SB) - Supporting benign

GeneReviews
No classification provided. Condition: Alexander disease. Review status: no classification provided. Collection method: literature only. Allele origin: germline. Affected: yes. Not counted in ClinVar's aggregate classification.

Literature cited by the submitters: PubMed 11138011 (cited by Victorian Clinical Genetics Services, Murdoch Childrens Research Institute); PubMed 20562394 (cited by Victorian Clinical Genetics Services, Murdoch Childrens Research Institute); PubMed 21533827 (cited by Victorian Clinical Genetics Services, Murdoch Childrens Research Institute and GeneReviews); PubMed 24306001 (cited by Victorian Clinical Genetics Services, Murdoch Childrens Research Institute and GeneReviews); PubMed 30355500 (cited by Victorian Clinical Genetics Services, Murdoch Childrens Research Institute); PubMed 31484723 (cited by Victorian Clinical Genetics Services, Murdoch Childrens Research Institute); NCBI Bookshelf NBK1172 (cited by GeneReviews).